The following is an entry in ClinVar:

ClinVar aggregate classification (germline): Conflicting classifications of pathogenicity. Review status: criteria provided, conflicting classifications (1 of 4 stars). 2 submissions from 2 submitters: Uncertain significance (1); Benign (1). Last evaluated 2025-08-18.

Conditions:
Telangiectasia, hereditary hemorrhagic, type 5 (HHT5). Identifiers: Orphanet 774, MedGen C3809710, MONDO:0014217, OMIM 615506.
Cardiovascular phenotype. Identifiers: MedGen CN230736.

Allele frequency attached by ClinVar (database versions not stated): gnomAD 0.00001; TOPMed 0.00001; ExAC 0.00002; gnomAD exomes 0.00002 and 0.00003; 1000 Genomes Project 30x 0.00016; 1000 Genomes Project 0.00020.

Submissions (2):

Ambry Genetics
Classification: Benign for Cardiovascular phenotype. Last evaluated: 2025-08-18. Review status: criteria provided, single submitter. Criteria: Ambry Variant Classification Scheme 2023. Collection method: clinical testing. Allele origin: germline.

Labcorp Genetics (formerly Invitae), Labcorp
Classification: Uncertain significance for Telangiectasia, hereditary hemorrhagic, type 5. Last evaluated: 2022-03-18. Review status: criteria provided, single submitter. Criteria: Invitae Variant Classification Sherloc (09022015). Collection method: clinical testing. Allele origin: germline.
Comment: This sequence change replaces arginine, which is basic and polar, with tryptophan, which is neutral and slightly polar, at codon 317 of the GDF2 protein (p.Arg317Trp). This variant is present in population databases (rs559992144, gnomAD 0.02%). This variant has not been reported in the literature in individuals affected with GDF2-related conditions. ClinVar contains an entry for this variant (Variation ID: 646567). Algorithms developed to predict the effect of missense changes on protein structure and function are either unavailable or do not agree on the potential impact of this missense change (SIFT: "Deleterious"; PolyPhen-2: "Possibly Damaging"; Align-GVGD: "Class C0"). Algorithms developed to predict the effect of sequence changes on RNA splicing suggest that this variant may create or strengthen a splice site. In summary, the available evidence is currently insufficient to determine the role of this variant in disease. Therefore, it has been classified as a Variant of Uncertain Significance.

NM_016204.4(GDF2):c.949C>T (p.Arg317Trp)

Gene: GDF2 (growth differentiation factor 2; plus strand). Cytogenetic location: 10q11.22.
Variant type: single nucleotide variant.
Coding change: c.949C>T on transcript NM_016204.4 (MANE Select); coding-DNA position 949, C replaced by T.
Protein change: p.Arg317Trp; replaces arginine 317 with tryptophan.
Molecular consequence: missense variant.
Genome position (GRCh38, 1-based): chr10:47,325,443, C>T. VCF-style: chr10-47325443-C-T. GRCh37 (hg19) VCF-style: chr10-48413919-G-A.
Other names: c.949C>T (NM_016204.1); short protein forms R317W.
Identifiers: ClinVar variation 646567 (VCV000646567.7), dbSNP rs559992144, ClinGen allele CA5487982.